The following is an entry in ClinVar:

NM_001387430.1(SH2B1):c.2116G>A (p.Glu706Lys)

Gene: SH2B1 (SH2B adaptor protein 1; plus strand). Cytogenetic location: 16p11.2.
Variant type: single nucleotide variant.
Coding change: c.2116G>A on transcript NM_001387430.1 (MANE Select); coding-DNA position 2116, G replaced by A.
Protein change: p.Glu706Lys; replaces glutamic acid 706 with lysine.
Molecular consequence: missense variant. On other transcripts: 3 prime UTR variant (5).
Genome position (GRCh38, 1-based): chr16:28,873,665, G>A. VCF-style: chr16-28873665-G-A. GRCh37 (hg19) VCF-style: chr16-28884986-G-A.
Other names: c.2116G>A, p.Glu706Lys (NM_001145795.2, NM_001308293.2, NM_001387404.1); c.*200G>A (NM_001145796.2, NM_001145812.2, NM_001308294.2 and 1 more transcripts); c.*217G>A (NM_001145797.2); short protein forms E706K.
Identifiers: ClinVar variation 4978474 (VCV004978474.1).

ClinVar aggregate classification (germline): Uncertain significance (1 of 4 stars; one submission).

Conditions:
SH2B1-related disorder. Also called: SH2B1-related condition.

gnomAD v4.1: 4 of 1,531,968 alleles (0.00026%); highest among the groups gnomAD compares: African/African-American, 0.0014%; no homozygotes.

Submission:

PreventionGenetics, part of Exact Sciences
Classification: Uncertain significance for SH2B1-related condition. Last evaluated: 2026-09-14. Review status: criteria provided, single submitter. Criteria: ACMG Guidelines, 2015. Collection method: clinical testing. Allele origin: germline.
Comment: The SH2B1 c.2116G>A variant is predicted to result in the amino acid substitution p.Glu706Lys. To our knowledge, this variant has not been reported in the literature or in a large population database (gnomAD), indicating this variant is rare. At this time, the clinical significance of this variant is uncertain due to the absence of conclusive functional and genetic evidence.